The following is an entry in ClinVar:

ClinVar aggregate classification (germline): Uncertain significance (0 of 4 stars; one submission).

Conditions:
RNF213-related disorder. Also called: RNF213-related condition.

gnomAD v4.1: 7 of 1,537,162 alleles (0.00046%); highest among the groups gnomAD compares: Admixed American, 0.0059%; no homozygotes.

Submission:

PreventionGenetics, part of Exact Sciences
Classification: Uncertain significance for RNF213-related condition. Last evaluated: 2024-03-30. Review status: no assertion criteria provided. Collection method: clinical testing. Allele origin: germline.
Comment: The RNF213 c.3944C>T variant is predicted to result in the amino acid substitution p.Thr1315Met. To our knowledge, this variant has not been reported in the literature. This variant is reported in 0.013% of alleles in individuals of African descent in gnomAD. At this time, the clinical significance of this variant is uncertain due to the absence of conclusive functional and genetic evidence.

NM_001256071.3(RNF213):c.3944C>T (p.Thr1315Met)

Gene: RNF213 (ring finger protein 213; plus strand). Cytogenetic location: 17q25.3.
Variant type: single nucleotide variant.
Coding change: c.3944C>T on transcript NM_001256071.3 (MANE Select); coding-DNA position 3944, C replaced by T.
Protein change: p.Thr1315Met; replaces threonine 1315 with methionine.
Molecular consequence: missense variant.
Genome position (GRCh38, 1-based): chr17:80,332,432, C>T. VCF-style: chr17-80332432-C-T. GRCh37 (hg19) VCF-style: chr17-78306232-C-T.
Other names: c.4091C>T, p.Thr1364Met (NM_001410195.1, NM_020914.5); short protein forms T1315M, T1364M.
Identifiers: ClinVar variation 3355544 (VCV003355544.1).